The following is an entry in ClinVar:

NM_206933.4(USH2A):c.1900G>T (p.Ala634Ser)

Gene: USH2A (usherin; minus strand). Cytogenetic location: 1q41.
Variant type: single nucleotide variant.
Coding change: c.1900G>T on transcript NM_206933.4 (MANE Select); coding-DNA position 1900, G replaced by T.
Protein change: p.Ala634Ser; replaces alanine 634 with serine.
Molecular consequence: missense variant.
Genome position (GRCh38, 1-based): chr1:216,289,351, C>A on the plus strand (G>T on the coding strand, the complement: USH2A is on the minus strand). VCF-style: chr1-216289351-C-A. GRCh37 (hg19) VCF-style: chr1-216462693-C-A.
Other names: c.1900G>T, p.Ala634Ser (NM_007123.6); c.1900G>T (NM_206933.2); short protein forms A634S.
Identifiers: ClinVar variation 295439 (VCV000295439.11), dbSNP rs759589036, ClinGen allele CA1396361.

ClinVar aggregate classification (germline): Uncertain significance. Review status: criteria provided, multiple submitters, no conflicts (2 of 4 stars). 6 submissions from 4 submitters: Uncertain significance (6). Last evaluated 2024-09-26.

Conditions:
Retinitis pigmentosa (RP). Identifiers: Orphanet 791, MedGen C0035334, MeSH D012174, MONDO:0019200, OMIM 268000. Inheritance: Autosomal dominant, autosomal recessive and X linked inheritance.
Retinitis pigmentosa 39 (RP39). Identifiers: Orphanet 791, MedGen C3151138, MONDO:0013436, OMIM 613809.
Usher syndrome type 2A. Also called: USHER SYNDROME, TYPE IIA; RETINAL DISEASE IN USHER SYNDROME TYPE IIA, MODIFIER OF. Identifiers: Orphanet 231178, Orphanet 886, MedGen C1848634, MONDO:0010169, OMIM 276901.

Allele frequency attached by ClinVar (database versions not stated): gnomAD exomes below 0.00001; TOPMed below 0.00001; ExAC 0.00001; gnomAD 0.00001.
gnomAD v4.1: 1 of 1,613,808 alleles (0.000062%); highest among the groups gnomAD compares: African/African-American, 0.0013%; no homozygotes.

Submissions (6):

GeneDx
Classification: Uncertain significance. Last evaluated: 2024-09-26. Review status: criteria provided, single submitter. Criteria: GeneDx Variant Classification Process June 2021. Collection method: clinical testing. Allele origin: germline. Affected: yes.
Comment: Not observed at significant frequency in large population cohorts (gnomAD); In silico analysis indicates that this missense variant does not alter protein structure/function; Has not been previously published as pathogenic or benign to our knowledge

Genome-Nilou Lab
Classification: Uncertain significance for Retinitis pigmentosa 39. Last evaluated: 2023-11-04. Review status: criteria provided, single submitter. Criteria: ACMG Guidelines, 2015. Collection method: clinical testing. Allele origin: germline. Affected: no.

Genome-Nilou Lab
Classification: Uncertain significance for Usher syndrome type 2A. Last evaluated: 2023-11-04. Review status: criteria provided, single submitter. Criteria: ACMG Guidelines, 2015. Collection method: clinical testing. Allele origin: germline. Affected: no.

Labcorp Genetics (formerly Invitae), Labcorp
Classification: Uncertain significance. Last evaluated: 2021-09-02. Review status: criteria provided, single submitter. Criteria: Invitae Variant Classification Sherloc (09022015). Collection method: clinical testing. Allele origin: germline.
Comment: This sequence change replaces alanine with serine at codon 634 of the USH2A protein (p.Ala634Ser). The alanine residue is highly conserved and there is a moderate physicochemical difference between alanine and serine. This variant is present in population databases (rs759589036, ExAC 0.001%). This variant has not been reported in the literature in individuals affected with USH2A-related conditions. ClinVar contains an entry for this variant (Variation ID: 295439). Algorithms developed to predict the effect of missense changes on protein structure and function are either unavailable or do not agree on the potential impact of this missense change (SIFT: "Tolerated"; PolyPhen-2: "Possibly Damaging"; Align-GVGD: "Class C0"). In summary, the available evidence is currently insufficient to determine the role of this variant in disease. Therefore, it has been classified as a Variant of Uncertain Significance.

Illumina Laboratory Services, Illumina
Classification: Uncertain significance for Usher syndrome type 2A. Last evaluated: 2018-01-13. Review status: criteria provided, single submitter. Criteria: ICSL Variant Classification Criteria 13 December 2019. Collection method: clinical testing. Allele origin: germline.

Illumina Laboratory Services, Illumina
Classification: Uncertain significance for Retinitis pigmentosa. Last evaluated: 2018-01-13. Review status: criteria provided, single submitter. Criteria: ICSL Variant Classification Criteria 13 December 2019. Collection method: clinical testing. Allele origin: germline.